The following is an entry in ClinVar:

NM_014000.3(VCL):c.1094C>A (p.Ala365Glu)

Gene: VCL (vinculin; plus strand). Cytogenetic location: 10q22.2.
Variant type: single nucleotide variant.
Coding change: c.1094C>A on transcript NM_014000.3 (MANE Select); coding-DNA position 1094, C replaced by A.
Protein change: p.Ala365Glu; replaces alanine 365 with glutamic acid.
Molecular consequence: missense variant.
Genome position (GRCh38, 1-based): chr10:74,089,267, C>A. VCF-style: chr10-74089267-C-A. GRCh37 (hg19) VCF-style: chr10-75849025-C-A.
Other names: c.1094C>A, p.Ala365Glu (NM_003373.4); short protein forms A365E.
Identifiers: ClinVar variation 3331935 (VCV003331935.1).

ClinVar aggregate classification (germline): Uncertain significance (1 of 4 stars; one submission).

Conditions:
Cardiovascular phenotype. Identifiers: MedGen CN230736.

Submission:

Ambry Genetics
Classification: Uncertain significance for Cardiovascular phenotype. Last evaluated: 2024-03-24. Review status: criteria provided, single submitter. Criteria: Ambry Variant Classification Scheme 2023. Collection method: clinical testing. Allele origin: germline.
Comment: The p.A365E variant (also known as c.1094C>A), located in coding exon 9 of the VCL gene, results from a C to A substitution at nucleotide position 1094. The alanine at codon 365 is replaced by glutamic acid, an amino acid with dissimilar properties. This amino acid position is conserved. In addition, the in silico prediction for this alteration is inconclusive. Based on the available evidence, the clinical significance of this alteration remains unclear.